The following is an entry in ClinVar:

ClinVar aggregate classification (germline): Likely pathogenic (1 of 4 stars; one submission).

Conditions:
Ehlers-Danlos syndrome, classic type, 1 (EDSCL1). Also called: EHLERS-DANLOS SYNDROME, GRAVIS TYPE; EHLERS-DANLOS SYNDROME, SEVERE CLASSIC TYPE; Ehlers-Danlos syndrome, type 1; Ehlers-Danlos Syndrome, Classic Type, COL5A1-Related; EDS I. Identifiers: MedGen C0268335, MONDO:0019567, OMIM 130000.

Submission:

Labcorp Genetics (formerly Invitae), Labcorp
Classification: Likely pathogenic for Ehlers-Danlos syndrome, classic type, 1. Last evaluated: 2021-09-27. Review status: criteria provided, single submitter. Criteria: Invitae Variant Classification Sherloc (09022015). Collection method: clinical testing. Allele origin: germline.
Comment: In summary, the currently available evidence indicates that the variant is pathogenic, but additional data are needed to prove that conclusively. Therefore, this variant has been classified as Likely Pathogenic. This variant has not been reported in the literature in individuals affected with COL5A2-related conditions. This sequence change is a complex rearrangement that results in the deletion of exons 39-44 and part of exon 38 of the COL5A2 gene. There is some indication that the surrounding sequence could be disrupted, but the exact nature of this event is unknown.

NC_000002.11:g.(?_189913190)_(189918176_?)del

Gene: COL5A2 (collagen type V alpha 2 chain; minus strand). Cytogenetic location: 2q32.2.
Variant type: Deletion.
Identifiers: ClinVar variation 1497020 (VCV001497020.7).